The following is an entry in ClinVar:

ClinVar aggregate classification (germline): Uncertain significance (1 of 4 stars; one submission).

gnomAD v4.1: 2 of 1,614,200 alleles (0.00012%); highest among the groups gnomAD compares: African/African-American, 0.0013%; no homozygotes.

Submission:

Labcorp Genetics (formerly Invitae), Labcorp
Classification: Uncertain significance. Last evaluated: 2025-10-16. Review status: criteria provided, single submitter. Criteria: Invitae Variant Classification Sherloc (09022015). Collection method: clinical testing. Allele origin: germline.
Comment: This sequence change replaces threonine, which is neutral and polar, with isoleucine, which is neutral and non-polar, at codon 143 of the PTHLH protein (p.Thr143Ile). This variant is not present in population databases (gnomAD no frequency). This variant has not been reported in the literature in individuals affected with PTHLH-related conditions. An algorithm developed to predict the effect of missense changes on protein structure and function (PolyPhen-2) suggests that this variant is likely to be tolerated. In summary, the available evidence is currently insufficient to determine the role of this variant in disease. Therefore, it has been classified as a Variant of Uncertain Significance.

NM_198965.2(PTHLH):c.428C>T (p.Thr143Ile)

Gene: PTHLH (parathyroid hormone like hormone; minus strand). Cytogenetic location: 12p11.22.
Variant type: single nucleotide variant.
Coding change: c.428C>T on transcript NM_198965.2 (MANE Select); coding-DNA position 428, C replaced by T.
Protein change: p.Thr143Ile; replaces threonine 143 with isoleucine.
Molecular consequence: missense variant.
Genome position (GRCh38, 1-based): chr12:27,963,444, G>A on the plus strand (C>T on the coding strand, the complement: PTHLH is on the minus strand). VCF-style: chr12-27963444-G-A. GRCh37 (hg19) VCF-style: chr12-28116377-G-A.
Other names: c.428C>T, p.Thr143Ile (NM_002820.3, NM_198964.2, NM_198966.2); short protein forms T143I.
Identifiers: ClinVar variation 4776187 (VCV004776187.1).